The following is an entry in ClinVar:

ClinVar aggregate classification (germline): Uncertain significance (1 of 4 stars; one submission).

gnomAD v4.1: 7 of 1,613,428 alleles (0.00043%); highest among the groups gnomAD compares: Non-Finnish European, 0.00059%; no homozygotes.

Submission:

Labcorp Genetics (formerly Invitae), Labcorp
Classification: Uncertain significance. Last evaluated: 2025-02-04. Review status: criteria provided, single submitter. Criteria: Invitae Variant Classification Sherloc (09022015). Collection method: clinical testing. Allele origin: germline.
Comment: This sequence change falls in intron 12 of the VCAN gene. It does not directly change the encoded amino acid sequence of the VCAN protein. It affects a nucleotide within the consensus splice site. This variant is present in population databases (no rsID available, gnomAD 0.002%). This variant has not been reported in the literature in individuals affected with VCAN-related conditions. Variants that disrupt the consensus splice site are a relatively common cause of aberrant splicing (PMID: 17576681, 9536098). Algorithms developed to predict the effect of sequence changes on RNA splicing suggest that this variant is not likely to affect RNA splicing. In summary, the available evidence is currently insufficient to determine the role of this variant in disease. Therefore, it has been classified as a Variant of Uncertain Significance.

Literature cited by the submitters: PubMed 17576681; PubMed 9536098.

NM_004385.5(VCAN):c.9736-3C>T

Gene: VCAN (versican; plus strand). Cytogenetic location: 5q14.3.
Variant type: single nucleotide variant.
Coding change: c.9736-3C>T on transcript NM_004385.5 (MANE Select); 3 bases into the intron before coding-DNA position 9736, C replaced by T.
Molecular consequence: intron variant.
Genome position (GRCh38, 1-based): chr5:83,572,413, C>T. VCF-style: chr5-83572413-C-T. GRCh37 (hg19) VCF-style: chr5-82868232-C-T.
Other names: c.4474-3C>T (NM_001164098.2); c.6775-3C>T (NM_001164097.2); c.1513-3C>T (NM_001126336.3).
Identifiers: ClinVar variation 4695019 (VCV004695019.1).